The following is an entry in ClinVar:

ClinVar aggregate classification (germline): Uncertain significance. Review status: criteria provided, multiple submitters, no conflicts (2 of 4 stars). 5 submissions from 5 submitters: Uncertain significance (5). Last evaluated 2025-09-24.

Conditions:
VHL-related disorder. Also called: VHL-related condition.
Von Hippel-Lindau syndrome (VHLS). Also called: VHL syndrome; Von Hippel-Lindau; von Hippel–Lindau syndrome. Identifiers: Orphanet 892, MedGen C0019562, MONDO:0008667, OMIM 193300. Disease mechanism: loss of function.
Chuvash polycythemia. Also called: POLYCYTHEMIA, VHL-DEPENDENT. Identifiers: Orphanet 238557, MedGen C1837915, MONDO:0009892, OMIM 263400.
Hereditary cancer-predisposing syndrome. Also called: Neoplastic Syndromes, Hereditary; Tumor predisposition; Hereditary neoplastic syndrome; Hereditary Cancer Syndrome. Identifiers: Orphanet 140162, MedGen C0027672, MeSH D009386, MONDO:0015356.
Pheochromocytoma. Also called: MAX-Related Hereditary Paraganglioma-Pheochromocytoma Syndrome. Identifiers: Orphanet 29072, MedGen C0031511, MONDO:0008233, OMIM 171300, HP:0002666.
Nonpapillary renal cell carcinoma. Identifiers: Orphanet 422526, MedGen CN074294, MONDO:0007763, OMIM 144700.

gnomAD v4.1: 2 of 1,589,792 alleles (0.00013%); highest among the groups gnomAD compares: Non-Finnish European, 0.000085%; no homozygotes.

Submissions (5):

Labcorp Genetics (formerly Invitae), Labcorp
Classification: Uncertain significance for Von Hippel-Lindau syndrome; Chuvash polycythemia. Last evaluated: 2025-09-24. Review status: criteria provided, single submitter. Criteria: Invitae Variant Classification Sherloc (09022015). Collection method: clinical testing. Allele origin: germline.
Comment: This sequence change replaces alanine, which is neutral and non-polar, with valine, which is neutral and non-polar, at codon 56 of the VHL protein (p.Ala56Val). This variant is not present in population databases (gnomAD no frequency). This missense change has been observed in individual(s) with VHL-related conditions (PMID: 29748190). ClinVar contains an entry for this variant (Variation ID: 188263). Invitae Evidence Modeling of protein sequence and biophysical properties (such as structural, functional, and spatial information, amino acid conservation, physicochemical variation, residue mobility, and thermodynamic stability) has been performed for this missense variant. However, the output from this modeling did not meet the statistical confidence thresholds required to predict the impact of this variant on VHL protein function. RNA analysis performed to evaluate the impact of this missense change on mRNA splicing indicates it does not significantly alter splicing (internal data). In summary, the available evidence is currently insufficient to determine the role of this variant in disease. Therefore, it has been classified as a Variant of Uncertain Significance.

PreventionGenetics, part of Exact Sciences
Classification: Uncertain significance for VHL-related condition. Last evaluated: 2025-05-05. Review status: criteria provided, single submitter. Criteria: ACMG Guidelines, 2015. Collection method: clinical testing. Allele origin: germline.
Comment: The VHL c.167C>T variant is predicted to result in the amino acid substitution p.Ala56Val. This variant has been observed in an individual with VHL-related conditions (Krauss et al. 2018. PubMed ID: 29748190). A different substitution at the same codon, defined as c.167C>G (p.Ala56Gly), was reported in individuals with erythrocytosis, but the clinical significance is unknown (see for example, Oliveira et al. 2018. PubMed ID: 29790589; Gangat et al. 2022. PubMed ID: 35142155). The c.167C>T (p.Ala56Val) variant has not been reported in a large population database (gnomAD), indicating this variant is rare. At this time, the clinical significance of this variant is uncertain due to the absence of conclusive functional and genetic evidence.

Ambry Genetics
Classification: Uncertain significance for Hereditary cancer-predisposing syndrome. Last evaluated: 2024-03-22. Review status: criteria provided, single submitter. Criteria: Ambry Variant Classification Scheme 2023. Collection method: clinical testing. Allele origin: germline.
Comment: The p.A56V variant (also known as c.167C>T), located in coding exon 1 of the VHL gene, results from a C to T substitution at nucleotide position 167. The alanine at codon 56 is replaced by valine, an amino acid with similar properties. This alteration was detected in a patient with von Hippel&ndash;Lindau (VHL) associated pancreatic neuroendocrine tumor (Krauss T et al. Endocr Relat Cancer, 2018 09;25:783-793). This amino acid position is not well conserved in available vertebrate species. In addition, this alteration is predicted to be tolerated by in silico analysis. Based on the available evidence, the clinical significance of this alteration remains unclear.

All of Us Research Program, National Institutes of Health
Classification: Uncertain significance for Von Hippel-Lindau syndrome. Last evaluated: 2024-02-22. Review status: criteria provided, single submitter. Criteria: ACMG Guidelines, 2015. Collection method: clinical testing. Allele origin: germline. Inheritance: Autosomal dominant inheritance. Observed: 2 variant alleles, 2 heterozygotes.
Comment: This missense variant replaces alanine with valine at codon 56 of the VHL protein. Computational prediction suggests that this variant may not impact protein structure and function (internally defined REVEL score threshold <= 0.5, PMID: 27666373). To our knowledge, functional studies have not been reported for this variant. This variant has been reported in an individual with a non-metastatic Von Hippel-Lindau syndrome-associated pancreatic neuroendocrine tumor (PMID: 29748190). This variant has not been identified in the general population by the Genome Aggregation Database (gnomAD). The available evidence is insufficient to determine the role of this variant in disease conclusively. Therefore, this variant is classified as a Variant of Uncertain Significance.

This study involves interpretation of variants in research participants for the purpose of population health screening. Participant phenotype was not available at the time of variant classification. Additional details can be found in publication PMID: 35346344, PMCID: PMC8962531

Fulgent Genetics
Classification: Uncertain significance for Nonpapillary renal cell carcinoma; Pheochromocytoma; Von Hippel-Lindau syndrome; Chuvash polycythemia. Last evaluated: 2022-03-28. Review status: criteria provided, single submitter. Criteria: ACMG Guidelines, 2015. Collection method: clinical testing. Allele origin: unknown.

Literature cited by the submitters: PubMed 29748190 (cited by 3 submitters).

NM_000551.4(VHL):c.167C>T (p.Ala56Val)

Gene: VHL (von Hippel-Lindau tumor suppressor; plus strand). Cytogenetic location: 3p25.3.
Variant type: single nucleotide variant.
Coding change: c.167C>T on transcript NM_000551.4 (MANE Select); coding-DNA position 167, C replaced by T.
Protein change: p.Ala56Val; replaces alanine 56 with valine.
Molecular consequence: missense variant.
Genome position (GRCh38, 1-based): chr3:10,142,014, C>T. VCF-style: chr3-10142014-C-T. GRCh37 (hg19) VCF-style: chr3-10183698-C-T.
Other names: c.167C>T, p.Ala56Val (NM_001354723.2, NM_198156.3); short protein forms A56V.
Identifiers: ClinVar variation 188263 (VCV000188263.18), dbSNP rs752980085, ClinGen allele CA020064.